The following is an entry in ClinVar:

ClinVar aggregate classification (germline): Likely benign (1 of 4 stars; one submission).

Conditions:
ALMS1-related disorder. Also called: ALMS1-related condition.

Submission:

PreventionGenetics, part of Exact Sciences
Classification: Likely benign for ALMS1-related condition. Last evaluated: 2026-07-20. Review status: criteria provided, single submitter. Criteria: ACMG Guidelines, 2015. Collection method: clinical testing. Allele origin: germline.
Comment: This variant is classified as likely benign based on ACMG/AMP sequence variant interpretation guidelines (Richards et al. 2015 PMID: 25741868, with internal and published modifications).

NM_001378454.1(ALMS1):c.7776T>C (p.Ser2592=)

Gene: ALMS1 (ALMS1 centrosome and basal body associated protein; plus strand). Cytogenetic location: 2p13.1.
Variant type: single nucleotide variant.
Coding change: c.7776T>C on transcript NM_001378454.1 (MANE Select); coding-DNA position 7776, T replaced by C.
Protein change: p.Ser2592=; no amino-acid change (serine 2592 retained).
Molecular consequence: synonymous variant.
Genome position (GRCh38, 1-based): chr2:73,489,735, T>C. VCF-style: chr2-73489735-T-C. GRCh37 (hg19) VCF-style: chr2-73716862-T-C.
Other names: c.7779T>C, p.Ser2593= (NM_015120.4).
Identifiers: ClinVar variation 4984171 (VCV004984171.1).
Genomic context (GRCh38, chr2:73,489,735, plus strand): 5'-TGTATGTAGTCACATTATTATTGAGAGCCATGAAAAGGGATGTTTCCGGACTCTAACTTC[T>C]GAACATCCACAACTAGATAGACACCCTTGTGCTTTCAGATCTGCTGGACCCTCAGAAATG-3'
Protein context (NP_001365383.1, residues 2582-2602): HEKGCFRTLT[Ser2592=]EHPQLDRHPC